The following is an entry in ClinVar:

NM_000218.3(KCNQ1):c.341T>C (p.Leu114Pro)

Gene: KCNQ1 (potassium voltage-gated channel subfamily Q member 1; plus strand). Cytogenetic location: 11p15.5.
Variant type: single nucleotide variant.
Coding change: c.341T>C on transcript NM_000218.3 (MANE Select); coding-DNA position 341, T replaced by C.
Protein change: p.Leu114Pro; replaces leucine 114 with proline.
Molecular consequence: missense variant.
Genome position (GRCh38, 1-based): chr11:2,445,439, T>C. VCF-style: chr11-2445439-T-C. GRCh37 (hg19) VCF-style: chr11-2466669-T-C.
Other names: c.341T>C (LRG_287t1); short protein forms L114P.
Identifiers: ClinVar variation 53036 (VCV000053036.10), dbSNP rs199473448, ClinGen allele CA006819.
Genomic context (GRCh38, chr11:2,445,439, plus strand): 5'-ACAGCACGCGCCGCCCGGTGTTGGCGCGCACCCACGTCCAGGGCCGCGTCTACAACTTCC[T>C]CGAGCGTCCCACCGGCTGGAAATGCTTCGTTTACCACTTCGCCGTGTGAGTATCGCCACC-3'
Protein context (NP_000209.2, residues 104-124): THVQGRVYNF[Leu114Pro]ERPTGWKCFV

ClinVar aggregate classification (germline): Likely pathogenic. Review status: criteria provided, multiple submitters, no conflicts (2 of 4 stars). 3 submissions from 3 submitters: Likely pathogenic (2). 1 of the submissions does not count toward it. Last evaluated 2022-03-25.

Conditions:
Cardiovascular phenotype. Identifiers: MedGen CN230736.
Familial long QT syndrome (RWS). Also called: Congenital long QT syndrome; Romano-Ward syndrome; VENTRICULAR FIBRILLATION WITH PROLONGED QT INTERVAL. Identifiers: Orphanet 768, MedGen C1141890, MONDO:0019171.
Long QT syndrome (LQTS). Identifiers: MedGen C0023976, MeSH D008133, MONDO:0002442. Disease mechanism: loss of function. Inheritance: Various modes of inheritance.

Submissions (3):

Labcorp Genetics (formerly Invitae), Labcorp
Classification: Likely pathogenic for Long QT syndrome. Last evaluated: 2022-03-25. Review status: criteria provided, single submitter. Criteria: Invitae Variant Classification Sherloc (09022015). Collection method: clinical testing. Allele origin: germline.
Comment: This variant is not present in population databases (gnomAD no frequency). This sequence change replaces leucine, which is neutral and non-polar, with proline, which is neutral and non-polar, at codon 114 of the KCNQ1 protein (p.Leu114Pro). This missense change has been observed in individuals with long QT syndrome (PMID: 12402336). ClinVar contains an entry for this variant (Variation ID: 53036). Algorithms developed to predict the effect of missense changes on protein structure and function (SIFT, PolyPhen-2, Align-GVGD) all suggest that this variant is likely to be disruptive. Experimental studies have shown that this missense change affects KCNQ1 function (PMID: 17053194, 19114714, 19841300, 25348405). In summary, the currently available evidence indicates that the variant is pathogenic, but additional data are needed to prove that conclusively. Therefore, this variant has been classified as Likely Pathogenic.

Ambry Genetics
Classification: Likely pathogenic for Cardiovascular phenotype. Last evaluated: 2017-09-18. Review status: criteria provided, single submitter. Criteria: Ambry Variant Classification Scheme 2023. Collection method: clinical testing. Allele origin: germline.
Comment: The p.L114P variant (also known as c.341T>C), located in coding exon 1 of the KCNQ1 gene, results from a T to C substitution at nucleotide position 341. The leucine at codon 114 is replaced by proline, an amino acid with similar properties. This alteration has been reported in a long QT syndrome cohort, but clinical details were limited (Jongbloed R et al. Hum. Mutat. 2002;20:382-91). Functional studies in multiple cell types indicate that this variant causes loss of function as a result of a trafficking defect (Dahim&egrave;ne S et al. Circ. Res. 2006;99:1076-83). Internal structural analysis suggests that this alteration is significantly disruptive in a sensitive region and more disruptive than a nearby known pathogenic variant (Long SB et al. Nature. 2007;450(7168):376-82). This amino acid position is highly conserved in available vertebrate species. In addition, this alteration is predicted to be deleterious by in silico analysis. Based on the majority of available evidence to date, this variant is likely to be pathogenic.

Cardiovascular Biomedical Research Unit, Royal Brompton & Harefield NHS Foundation Trust
No classification provided. Condition: Familial long QT syndrome. Review status: no classification provided. Collection method: literature only. Allele origin: germline. Not counted in ClinVar's aggregate classification.
Comment: This variant has been reported as associated with Long QT syndrome in the following publications (PMID:12402336;PMID:17053194;PMID:19114714). This is a literature report, and does not necessarily reflect the clinical interpretation of the Imperial College / Royal Brompton Cardiovascular Genetics laboratory.

Literature cited by the submitters: PubMed 12402336 (cited by 3 submitters); PubMed 17053194 (cited by 3 submitters); PubMed 19114714 (cited by 3 submitters); PubMed 19841300 (cited by Labcorp Genetics (formerly Invitae), Labcorp); PubMed 25348405 (cited by Labcorp Genetics (formerly Invitae), Labcorp); PubMed 18004376 (cited by Ambry Genetics); PubMed 19008479 (cited by Ambry Genetics); PubMed 22581653 (cited by Cardiovascular Biomedical Research Unit, Royal Brompton & Harefield NHS Foundation Trust).